The following is an entry in ClinVar:

NM_001370466.1(NOD2):c.107G>A (p.Trp36Ter)

Gene: NOD2 (nucleotide binding oligomerization domain containing 2; plus strand). Cytogenetic location: 16q12.1.
Variant type: single nucleotide variant.
Coding change: c.107G>A on transcript NM_001370466.1 (MANE Select); coding-DNA position 107, G replaced by A.
Protein change: p.Trp36Ter; replaces tryptophan 36 with a stop codon.
Molecular consequence: nonsense. On other transcripts: non-coding transcript variant (1).
Genome position (GRCh38, 1-based): chr16:50,699,602, G>A. VCF-style: chr16-50699602-G-A. GRCh37 (hg19) VCF-style: chr16-50733513-G-A.
Other names: c.107G>A, p.Trp36Ter (NM_001293557.2); c.188G>A, p.Trp63Ter (NM_022162.3); short protein forms W36*, W63*.
Identifiers: ClinVar variation 2034284 (VCV002034284.4), dbSNP rs2509131346, ClinGen allele CA395865626.
Genomic context (GRCh38, chr16:50,699,602, plus strand): 5'-AGCTGCTGGTCTCAGGGTCCCTGGAAGGCTTCGAGAGTGTCCTGGACTGGCTGCTGTCCT[G>A]GGAGGTCCTCTCCTGGGAGGACTACGAGGGCTTCCACCTCCTGGGCCAGCCTCTCTCCCA-3'

ClinVar aggregate classification (germline): Uncertain significance (1 of 4 stars; one submission).

Conditions:
Blau syndrome (BLAUS). Also called: ARTHROCUTANEOUVEAL GRANULOMATOSIS; GRANULOMATOSIS, FAMILIAL JUVENILE SYSTEMIC; GRANULOMATOSIS, FAMILIAL, BLAU TYPE; GRANULOMATOUS INFLAMMATORY ARTHRITIS, DERMATITIS, AND UVEITIS, FAMILIAL; JABS SYNDROME. Identifiers: Orphanet 90340, MedGen C5201146, MONDO:0008523, OMIM 186580.
Regional enteritis. Also called: Enteritis, Granulomatous. Identifiers: MedGen C0678202, MeSH D003424.

Submission:

Labcorp Genetics (formerly Invitae), Labcorp
Classification: Uncertain significance for Regional enteritis; Blau syndrome. Last evaluated: 2022-10-05. Review status: criteria provided, single submitter. Criteria: Invitae Variant Classification Sherloc (09022015). Collection method: clinical testing. Allele origin: germline.
Comment: This variant has not been reported in the literature in individuals affected with NOD2-related conditions. In summary, the available evidence is currently insufficient to determine the role of this variant in disease. Therefore, it has been classified as a Variant of Uncertain Significance. This variant is not present in population databases (gnomAD no frequency). This sequence change creates a premature translational stop signal (p.Trp63*) in the NOD2 gene. It is expected to result in an absent or disrupted protein product. However, the current clinical and genetic evidence is not sufficient to establish whether loss-of-function variants in NOD2 cause disease.